The following is an entry in ClinVar:

NM_001353108.3(CEP63):c.987dup (p.Asp330fs)

Gene: CEP63 (centrosomal protein 63; plus strand). Cytogenetic location: 3q22.2.
Variant type: Duplication.
Coding change: c.987dup on transcript NM_001353108.3 (MANE Select); coding-DNA position 987, one base duplicated (A; older notation c.987dupA).
Protein change: p.Asp330fs; shifts the reading frame from aspartic acid 330.
Molecular consequence: frameshift variant. On other transcripts: intron variant (12), non-coding transcript variant (1).
Genome position (GRCh38, 1-based): chr3:134,547,392, A duplicated. VCF-style (leftmost placement, unchanged base first): chr3-134547391-T-TA. GRCh37 (hg19) VCF-style: chr3-134266233-T-TA.
Other names: c.929+1104dup (NM_001353119.2, NM_001353120.2, NM_001042384.2 and 6 more transcripts); c.845+1104dup (NM_001353125.2); c.987dup, p.Asp330fs (NM_001353111.2, NM_001353112.2, NM_001353113.1 and 4 more transcripts); c.956+1104dup (NM_001353118.1); c.566+1104dup (NM_001353126.2); short protein forms D330fs.
Identifiers: ClinVar variation 2707896 (VCV002707896.3), dbSNP rs2546985015, ClinGen allele CA2667811351.

ClinVar aggregate classification (germline): Pathogenic (1 of 4 stars; one submission).

Allele frequency attached by ClinVar (database versions not stated): gnomAD exomes below 0.00001.

Submission:

Labcorp Genetics (formerly Invitae), Labcorp
Classification: Pathogenic. Last evaluated: 2024-01-06. Review status: criteria provided, single submitter. Criteria: Invitae Variant Classification Sherloc (09022015). Collection method: clinical testing. Allele origin: germline.
Comment: This sequence change creates a premature translational stop signal (p.Asp330Argfs*13) in the CEP63 gene. It is expected to result in an absent or disrupted protein product. Loss-of-function variants in CEP63 are known to be pathogenic (PMID: 21983783, 23936128, 26158450). This variant is not present in population databases (gnomAD no frequency). This variant has not been reported in the literature in individuals affected with CEP63-related conditions. Algorithms developed to predict the effect of sequence changes on RNA splicing suggest that this variant may disrupt the consensus splice site. For these reasons, this variant has been classified as Pathogenic.

Literature cited by the submitters: PubMed 21983783; PubMed 23936128; PubMed 26158450.